The following is an entry in ClinVar:

NC_000001.10:g.(?_27276560)_(27278871_?)dup

Gene: KDF1 (keratinocyte differentiation factor 1; minus strand). Cytogenetic location: 1p36.11.
Variant type: Duplication.
Identifiers: ClinVar variation 2427360 (VCV002427360.4).

ClinVar aggregate classification (germline): Uncertain significance (1 of 4 stars; one submission).

Submission:

Labcorp Genetics (formerly Invitae), Labcorp
Classification: Uncertain significance. Last evaluated: 2022-09-23. Review status: criteria provided, single submitter. Criteria: Invitae Variant Classification Sherloc (09022015). Collection method: clinical testing. Allele origin: germline.
Comment: In summary, the available evidence is currently insufficient to determine the role of this variant in disease. Therefore, it has been classified as a Variant of Uncertain Significance. This variant has not been reported in the literature in individuals affected with KDF1-related conditions. A copy number gain of the genomic region encompassing the full coding sequence of the KDF1 gene has been identified. The boundaries of this event are unknown as they extend beyond the assayed region for this gene and therefore may encompass additional genes. As the precise location of this event is unknown, it may be in tandem or it may be located elsewhere in the genome.